The following is an entry in ClinVar:

ClinVar aggregate classification (germline): Uncertain significance (1 of 4 stars; one submission).

gnomAD v4.1: 1 of 1,613,918 alleles (0.000062%); highest among the groups gnomAD compares: East Asian, 0.0022%; no homozygotes.

Submission:

Ambry Genetics
Classification: Uncertain significance. Last evaluated: 2026-03-08. Review status: criteria provided, single submitter. Criteria: Ambry Variant Classification Scheme 2023. Collection method: clinical testing. Allele origin: germline.
Comment: The p.L493S variant (also known as c.1478T>C), located in coding exon 13 of the GEN1 gene, results from a T to C substitution at nucleotide position 1478. The leucine at codon 493 is replaced by serine, an amino acid with dissimilar properties. This amino acid position is conserved. In addition, this alteration is predicted to be tolerated by in silico analysis. Based on the available evidence, the clinical significance of this variant remains unclear.

NM_001130009.3(GEN1):c.1478T>C (p.Leu493Ser)

Gene: GEN1 (GEN1 structure-specific endonuclease; plus strand). Cytogenetic location: 2p24.2.
Variant type: single nucleotide variant.
Coding change: c.1478T>C on transcript NM_001130009.3 (MANE Select); coding-DNA position 1478, T replaced by C.
Protein change: p.Leu493Ser; replaces leucine 493 with serine.
Molecular consequence: missense variant.
Genome position (GRCh38, 1-based): chr2:17,780,690, T>C. VCF-style: chr2-17780690-T-C. GRCh37 (hg19) VCF-style: chr2-17961957-T-C.
Other names: c.1478T>C, p.Leu493Ser (NM_182625.5); short protein forms L493S.
Identifiers: ClinVar variation 4826304 (VCV004826304.1).
Genomic context (GRCh38, chr2:17,780,690, plus strand): 5'-CTAAAGAAAACAATTTGCCAGAACCAGATGAAGTAATGAGCTTTCAGTCACACATGACTT[T>C]AAAACCCACATGTGAAATCTTTCATAAGCAGAATTCCAAGTTAAATTCGGGGATTTCCCC-3'
Protein context (NP_001123481.3, residues 483-503): EVMSFQSHMT[Leu493Ser]KPTCEIFHKQ